The following is an entry in ClinVar:

ClinVar aggregate classification (germline): Uncertain significance (1 of 4 stars; one submission).

Submission:

Labcorp Genetics (formerly Invitae), Labcorp
Classification: Uncertain significance. Last evaluated: 2022-05-26. Review status: criteria provided, single submitter. Criteria: Invitae Variant Classification Sherloc (09022015). Collection method: clinical testing. Allele origin: germline.
Comment: In summary, the available evidence is currently insufficient to determine the role of this variant in disease. Therefore, it has been classified as a Variant of Uncertain Significance. Experimental studies and prediction algorithms are not available or were not evaluated, and the functional significance of this variant is currently unknown. This variant has not been reported in the literature in individuals affected with PDHX-related conditions. This variant results in a copy number gain of the genomic region encompassing exon(s) 2 of the PDHX gene. While the exact position of this variant cannot be determined from the data, sub-genic copy number gains are generally in tandem (PMID: 25640679). This variant is predicted to be in-frame, and likely preserves the integrity of the reading frame.

Literature cited by the submitters: PubMed 25640679.

NC_000011.9:g.(?_34952931)_(34953051_?)dup

Gene: PDHX (pyruvate dehydrogenase complex component X; plus strand). Cytogenetic location: 11p13.
Variant type: Duplication.
Identifiers: ClinVar variation 2424685 (VCV002424685.4).